The following is an entry in ClinVar:

ClinVar aggregate classification (germline): Uncertain significance (1 of 4 stars; one submission).

Submission:

Labcorp Genetics (formerly Invitae), Labcorp
Classification: Uncertain significance. Last evaluated: 2025-11-09. Review status: criteria provided, single submitter. Criteria: Invitae Variant Classification Sherloc (09022015). Collection method: clinical testing. Allele origin: germline.
Comment: This sequence change replaces leucine, which is neutral and non-polar, with methionine, which is neutral and non-polar, at codon 420 of the SLC1A2 protein (p.Leu420Met). This variant is not present in population databases (gnomAD no frequency). This variant has not been reported in the literature in individuals affected with SLC1A2-related conditions. Invitae Evidence Modeling of protein sequence and biophysical properties (such as structural, functional, and spatial information, amino acid conservation, physicochemical variation, residue mobility, and thermodynamic stability) indicates that this missense variant is not expected to disrupt SLC1A2 protein function with a negative predictive value of 80%. In summary, the available evidence is currently insufficient to determine the role of this variant in disease. Therefore, it has been classified as a Variant of Uncertain Significance.

NM_004171.4(SLC1A2):c.1258C>A (p.Leu420Met)

Gene: SLC1A2 (solute carrier family 1 member 2; minus strand). Cytogenetic location: 11p13.
Variant type: single nucleotide variant.
Coding change: c.1258C>A on transcript NM_004171.4 (MANE Select); coding-DNA position 1258, C replaced by A.
Protein change: p.Leu420Met; replaces leucine 420 with methionine.
Molecular consequence: missense variant.
Genome position (GRCh38, 1-based): chr11:35,286,785, G>T on the plus strand (C>A on the coding strand, the complement: SLC1A2 is on the minus strand). VCF-style: chr11-35286785-G-T. GRCh37 (hg19) VCF-style: chr11-35308332-G-T.
Other names: c.1231C>A, p.Leu411Met (NM_001195728.3, NM_001252652.2, NM_001439341.1); c.1246C>A, p.Leu416Met (NM_001439342.1); c.1024C>A, p.Leu342Met (NM_001439343.1); short protein forms L416M, L411M, L420M, L342M.
Identifiers: ClinVar variation 4740795 (VCV004740795.1).
Genomic context (GRCh38, chr11:35,286,785, plus strand): 5'-GGTTGTTTTGTGTTTTACCCCACCCTTCTCACCTTACAGTCACAATCTGTCCTCCATCCA[G>T]GACAACACCATTCATTTGGGCTATAAAGATGGCGGCTACCGCTTCATAAAGGGCTGTACC-3'
Protein context (NP_004162.2, residues 410-430): IFIAQMNGVV[Leu420Met]DGGQIVTVSL